The following is an entry in ClinVar:

NM_152564.5(VPS13B):c.8068G>T (p.Val2690Phe)

Gene: VPS13B (vacuolar protein sorting 13 homolog B; plus strand). Cytogenetic location: 8q22.2.
Variant type: single nucleotide variant.
Coding change: c.8068G>T on transcript NM_152564.5 (MANE Select); coding-DNA position 8068, G replaced by T.
Protein change: p.Val2690Phe; replaces valine 2690 with phenylalanine.
Molecular consequence: missense variant.
Genome position (GRCh38, 1-based): chr8:99,809,501, G>T. VCF-style: chr8-99809501-G-T. GRCh37 (hg19) VCF-style: chr8-100821729-G-T.
Other names: c.8143G>T, p.Val2715Phe (NM_017890.5); short protein forms V2690F, V2715F.
Identifiers: ClinVar variation 2090314 (VCV002090314.1), dbSNP rs751700874, ClinGen allele CA371770144.

ClinVar aggregate classification (germline): Uncertain significance (1 of 4 stars; one submission).

Conditions:
Cohen syndrome (COH1). Also called: Cutis verticis gyrata, retinitis pigmentosa, and sensorineural deafness; PEPPER SYNDROME. Identifiers: Orphanet 193, MedGen C0265223, MONDO:0008999, OMIM 216550.

Submission:

Labcorp Genetics (formerly Invitae), Labcorp
Classification: Uncertain significance for Cohen syndrome. Last evaluated: 2022-05-17. Review status: criteria provided, single submitter. Criteria: Invitae Variant Classification Sherloc (09022015). Collection method: clinical testing. Allele origin: germline.
Comment: This sequence change replaces valine, which is neutral and non-polar, with phenylalanine, which is neutral and non-polar, at codon 2715 of the VPS13B protein (p.Val2715Phe). This variant is not present in population databases (gnomAD no frequency). This variant has not been reported in the literature in individuals affected with VPS13B-related conditions. Algorithms developed to predict the effect of missense changes on protein structure and function are either unavailable or do not agree on the potential impact of this missense change (SIFT: "Not Available"; PolyPhen-2: "Possibly Damaging"; Align-GVGD: "Not Available"). In summary, the available evidence is currently insufficient to determine the role of this variant in disease. Therefore, it has been classified as a Variant of Uncertain Significance.